The following is an entry in ClinVar:

NM_015335.5(MED13L):c.4300G>A (p.Ala1434Thr)

Gene: MED13L (mediator complex subunit 13L; minus strand). Cytogenetic location: 12q24.21.
Variant type: single nucleotide variant.
Coding change: c.4300G>A on transcript NM_015335.5 (MANE Select); coding-DNA position 4300, G replaced by A.
Protein change: p.Ala1434Thr; replaces alanine 1434 with threonine.
Molecular consequence: missense variant.
Genome position (GRCh38, 1-based): chr12:115,986,304, C>T on the plus strand (G>A on the coding strand, the complement: MED13L is on the minus strand). VCF-style: chr12-115986304-C-T. GRCh37 (hg19) VCF-style: chr12-116424109-C-T.
Other names: short protein forms A1434T.
Identifiers: ClinVar variation 1098612 (VCV001098612.3), dbSNP rs1363042572, ClinGen allele CA386884408.
Genomic context (GRCh38, chr12:115,986,304, plus strand): 5'-ATTTTCACAGTAACTTCCTCACCTCGTATACAGCACTCAAGTCCCTGAAGAAAGTTTTGG[C>T]TCCTTCGAGCAAGGCCTCATTTTCTGGACACACCACAATATAGGCAACATCACGGTGGCC-3'
Protein context (NP_056150.1, residues 1424-1444): CPENEALLEG[Ala1434Thr]KTFFRDLSAV

ClinVar aggregate classification (germline): Uncertain significance. Review status: criteria provided, multiple submitters, no conflicts (2 of 4 stars). 3 submissions from 3 submitters: Uncertain significance (3). Last evaluated 2025-06-12.

Conditions:
Dextro-looped transposition of the great arteries. Also called: Dextrotransposition of the great arteries. Identifiers: Orphanet 860, MedGen C3531771, MONDO:0019443, OMIM 608808, HP:0031348.
Inborn genetic diseases. Identifiers: MedGen C0950123, MeSH D030342.
Cardiac anomalies - developmental delay - facial dysmorphism syndrome (MRFACD). Also called: MED13L Syndrome; Impaired intellectual development and distinctive facial features with or without cardiac defects. Identifiers: Orphanet 369891, MedGen C5192431, MONDO:0014773, OMIM 616789.

Allele frequency attached by ClinVar (database versions not stated): gnomAD exomes below 0.00001; TOPMed 0.00002.
gnomAD v4.1: 1 of 1,614,144 alleles (0.000062%); highest among the groups gnomAD compares: Non-Finnish European, 0.000085%; no homozygotes.

Submissions (3):

Labcorp Genetics (formerly Invitae), Labcorp
Classification: Uncertain significance for Dextro-looped transposition of the great arteries. Last evaluated: 2025-06-12. Review status: criteria provided, single submitter. Criteria: Invitae Variant Classification Sherloc (09022015). Collection method: clinical testing. Allele origin: germline.
Comment: This sequence change replaces alanine, which is neutral and non-polar, with threonine, which is neutral and polar, at codon 1434 of the MED13L protein (p.Ala1434Thr). This variant is not present in population databases (gnomAD no frequency). This variant has not been reported in the literature in individuals affected with MED13L-related conditions. ClinVar contains an entry for this variant (Variation ID: 1098612). Invitae Evidence Modeling of protein sequence and biophysical properties (such as structural, functional, and spatial information, amino acid conservation, physicochemical variation, residue mobility, and thermodynamic stability) has been performed for this missense variant. However, the output from this modeling did not meet the statistical confidence thresholds required to predict the impact of this variant on MED13L protein function. In summary, the available evidence is currently insufficient to determine the role of this variant in disease. Therefore, it has been classified as a Variant of Uncertain Significance.

Ambry Genetics
Classification: Uncertain significance for Inborn genetic diseases. Last evaluated: 2024-07-10. Review status: criteria provided, single submitter. Criteria: Ambry Variant Classification Scheme 2023. Collection method: clinical testing. Allele origin: germline.

New York Genome Center
Classification: Uncertain significance for Cardiac anomalies - developmental delay - facial dysmorphism syndrome. Last evaluated: 2020-06-30. Review status: criteria provided, single submitter. Criteria: NYGC Assertion Criteria 2020. Collection method: clinical testing. Allele origin: inherited. Observed: 1 heterozygote. Study: CSER-NYCKidSeq.